The following is an entry in ClinVar:

NM_000038.6(APC):c.6804C>A (p.Thr2268=)

Gene: APC (APC regulator of Wnt signaling pathway; plus strand). Cytogenetic location: 5q22.2.
Variant type: single nucleotide variant.
Coding change: c.6804C>A on transcript NM_000038.6 (MANE Select); coding-DNA position 6804, C replaced by A.
Protein change: p.Thr2268=; no amino-acid change (threonine 2268 retained).
Molecular consequence: synonymous variant. On other transcripts: non-coding transcript variant (2).
Genome position (GRCh38, 1-based): chr5:112,842,398, C>A. VCF-style: chr5-112842398-C-A. GRCh37 (hg19) VCF-style: chr5-112178095-C-A.
Other names: c.6804C>A (NM_000038.5); c.6627C>A, p.Thr2209= (NM_001354901.2, NM_001407453.1); c.6531C>A, p.Thr2177= (NM_001354902.2); c.6501C>A, p.Thr2167= (NM_001354903.2, NM_001407458.1, NM_001407459.1 and 1 more transcripts); c.6426C>A, p.Thr2142= (NM_001354904.2); c.6324C>A, p.Thr2108= (NM_001354905.2); c.5955C>A, p.Thr1985= (NM_001354906.2, NM_001407470.1); c.6888C>A, p.Thr2296= (NM_001407446.1); and 12 more.
Identifiers: ClinVar variation 3254273 (VCV003254273.2), dbSNP rs1554087758.
Genomic context (GRCh38, chr5:112,842,398, plus strand): 5'-AAAAGGCCCACCCCTTAAGACTCCAGCCTCCAAAAGCCCTAGTGAAGGTCAAACAGCCAC[C>A]ACTTCTCCTAGAGGAGCCAAGCCATCTGTGAAATCAGAATTAAGCCCTGTTGCCAGGCAG-3'
Protein context (NP_000029.2, residues 2258-2278): SKSPSEGQTA[Thr2268=]TSPRGAKPSV

ClinVar aggregate classification (germline): Benign/Likely benign. Review status: criteria provided, multiple submitters, no conflicts (2 of 4 stars). 2 submissions from 2 submitters: Benign (1); Likely benign (1). Last evaluated 2025-12-29.

Conditions:
Familial adenomatous polyposis 1 (FAP1). Also called: FAMILIAL ADENOMATOUS POLYPOSIS 1, ATTENUATED; POLYPOSIS, ADENOMATOUS INTESTINAL. Identifiers: MedGen C2713442, MONDO:0021056, OMIM 175100. Disease mechanism: loss of function.
Hereditary cancer-predisposing syndrome. Also called: Tumor predisposition; Hereditary Cancer Syndrome; Hereditary neoplastic syndrome; Neoplastic Syndromes, Hereditary. Identifiers: Orphanet 140162, MedGen C0027672, MeSH D009386, MONDO:0015356.

Submissions (2):

Ambry Genetics
Classification: Likely benign for Hereditary cancer-predisposing syndrome. Last evaluated: 2025-12-29. Review status: criteria provided, single submitter. Criteria: Ambry Variant Classification Scheme 2023. Collection method: clinical testing. Allele origin: germline.

Myriad Genetics, Inc.
Classification: Benign for Familial adenomatous polyposis 1. Last evaluated: 2024-04-05. Review status: criteria provided, single submitter. Criteria: Myriad Autosomal Dominant, Autosomal Recessive and X-Linked Classification Criteria (2023). Collection method: clinical testing. Allele origin: unknown.
Comment: This variant is considered benign. This variant is a silent/synonymous amino acid change and it is not expected to impact splicing.